The following is an entry in ClinVar:

NM_001384910.1(GUCA1A):c.238C>A (p.Leu80Ile)

Genes: GUCA1A (guanylate cyclase activator 1A; plus strand), GUCA1ANB-GUCA1A (GUCA1ANB-GUCA1A readthrough; plus strand). Cytogenetic location: 6p21.1.
Variant type: single nucleotide variant.
Coding change: c.238C>A on transcript NM_001384910.1 (MANE Select); coding-DNA position 238, C replaced by A.
Protein change: p.Leu80Ile; replaces leucine 80 with isoleucine.
Molecular consequence: missense variant.
Genome position (GRCh38, 1-based): chr6:42,178,316, C>A. VCF-style: chr6-42178316-C-A. GRCh37 (hg19) VCF-style: chr6-42146054-C-A.
Other names: c.238C>A, p.Leu80Ile (NM_000409.5, NM_001319061.2, NM_001319062.2); short protein forms L80I.
Identifiers: ClinVar variation 974936 (VCV000974936.1), dbSNP rs904381536, ClinGen allele CA364108780.

ClinVar aggregate classification (germline): Uncertain significance (1 of 4 stars; one submission).

Conditions:
Cone dystrophy 3 (COD3). Also called: RETINAL CONE DYSTROPHY. Identifiers: Orphanet 1872, MedGen C1865869, MONDO:0011193, OMIM 602093.

Submission:

SIB Swiss Institute of Bioinformatics
Classification: Uncertain significance for Cone dystrophy 3. Last evaluated: 2020-06-05. Review status: criteria provided, single submitter. Criteria: ACMG Guidelines, 2015. Collection method: curation. Allele origin: unknown.
Comment: This variant is interpreted as a variant of uncertain significance for Cone dystrophy 3, autosomal dominant. The following ACMG Tag(s) were applied: Absent from controls (or at extremely low frequency if recessive) in Exome Sequencing Project, 1000 Genomes Project, or Exome Aggregation Consortium (PM2); Located in a mutational hot spot and/or critical and well-established functional domain (e.g., active site of an enzyme) without benign variation (PM1); Lack of segregation in affected members of a family (BS4) (PMID: 31728034).

Literature cited by the submitters: PubMed 31728034.